The following is an entry in ClinVar:

NM_000260.4(MYO7A):c.337A>G (p.Ile113Val)

Gene: MYO7A (myosin VIIA; plus strand). Cytogenetic location: 11q13.5.
Variant type: single nucleotide variant.
Coding change: c.337A>G on transcript NM_000260.4 (MANE Select); coding-DNA position 337, A replaced by G.
Protein change: p.Ile113Val; replaces isoleucine 113 with valine.
Molecular consequence: missense variant.
Genome position (GRCh38, 1-based): chr11:77,155,958, A>G. VCF-style: chr11-77155958-A-G. GRCh37 (hg19) VCF-style: chr11-76867004-A-G.
Other names: c.337A>G, p.Ile113Val (NM_001127180.2); c.304A>G, p.Ile102Val (NM_001369365.1); c.337A>G (NM_000260.3); short protein forms I102V, I113V.
Identifiers: ClinVar variation 998749 (VCV000998749.6), dbSNP rs1952422704, ClinGen allele CA381931216.
Genomic context (GRCh38, chr11:77,155,958, plus strand): 5'-TGCCCGCAGACGTATACGGGCTCCATCCTGGTGGCTGTGAACCCCTACCAGCTGCTCTCC[A>G]TCTACTCGCCAGAGCACATCCGCCAGTATACCAACAAGAAGATTGGGGAGATGCCCCCCC-3'
Protein context (NP_000251.3, residues 103-123): VAVNPYQLLS[Ile113Val]YSPEHIRQYT

ClinVar aggregate classification (germline): Uncertain significance. Review status: criteria provided, multiple submitters, no conflicts (2 of 4 stars). 2 submissions from 2 submitters: Uncertain significance (2). Last evaluated 2023-10-13.

Conditions:
Inborn genetic diseases. Identifiers: MedGen C0950123, MeSH D030342.

Submissions (2):

Ambry Genetics
Classification: Uncertain significance for Inborn genetic diseases. Last evaluated: 2023-10-13. Review status: criteria provided, single submitter. Criteria: Ambry Variant Classification Scheme 2023. Collection method: clinical testing. Allele origin: germline.

Labcorp Genetics (formerly Invitae), Labcorp
Classification: Uncertain significance. Last evaluated: 2021-08-24. Review status: criteria provided, single submitter. Criteria: Invitae Variant Classification Sherloc (09022015). Collection method: clinical testing. Allele origin: germline.
Comment: This sequence change replaces isoleucine with valine at codon 113 of the MYO7A protein (p.Ile113Val). The isoleucine residue is highly conserved and there is a small physicochemical difference between isoleucine and valine. This variant is not present in population databases (ExAC no frequency). This variant has not been reported in the literature in individuals affected with MYO7A-related conditions. Algorithms developed to predict the effect of missense changes on protein structure and function are either unavailable or do not agree on the potential impact of this missense change (SIFT: "Deleterious"; PolyPhen-2: "Benign"; Align-GVGD: "Class C0"). In summary, the available evidence is currently insufficient to determine the role of this variant in disease. Therefore, it has been classified as a Variant of Uncertain Significance.